The following is an entry in ClinVar:

NM_145886.4(PIDD1):c.450G>T (p.Leu150=)

Gene: PIDD1 (p53-induced death domain protein 1; minus strand). Cytogenetic location: 11p15.5.
Variant type: single nucleotide variant.
Coding change: c.450G>T on transcript NM_145886.4 (MANE Select); coding-DNA position 450, G replaced by T.
Protein change: p.Leu150=; no amino-acid change (leucine 150 retained).
Molecular consequence: synonymous variant.
Genome position (GRCh38, 1-based): chr11:803,433, C>A on the plus strand (G>T on the coding strand, the complement: PIDD1 is on the minus strand). VCF-style: chr11-803433-C-A. GRCh37 (hg19) VCF-style: chr11-803433-C-A.
Other names: c.450G>T, p.Leu150= (NM_145887.4).
Identifiers: ClinVar variation 4872942 (VCV004872942.2).
Genomic context (GRCh38, chr11:803,433, plus strand): 5'-GAGGGCCCCCAGAGCCTCAGGCAGCTCAGAGAGGCAGTTGTGAGACAGCAAGAGCGCACC[C>A]AGACCTCGCATCTGCAGGACACAGGCCGGCAGTGTCTCCAGGCTGTTGAAGCTCAGGTCC-3'
Protein context (NP_665893.2, residues 140-160): LPACVLQMRG[Leu150=]GALLLSHNCL

ClinVar aggregate classification (germline): Likely benign (1 of 4 stars; one submission).

gnomAD v4.1: 9 of 1,613,788 alleles (0.00056%); highest among the groups gnomAD compares: African/African-American, 0.0093%; no homozygotes.

Submission:

CeGaT Center for Human Genetics Tuebingen
Classification: Likely benign. Last evaluated: 2026-05-01. Review status: criteria provided, single submitter. Criteria: CeGaT Center For Human Genetics Tuebingen Variant Classification Criteria Version 2. Collection method: clinical testing. Allele origin: germline. Affected: yes. Observed: 1 variant allele.
Comment: PIDD1: BP4, BP7